The following is an entry in ClinVar:

ClinVar aggregate classification (germline): Likely pathogenic (1 of 4 stars; one submission).

Conditions:
Cockayne syndrome type 2 (CSB). Also called: COCKAYNE SYNDROME B; Cockayne Syndrome, Type II. Identifiers: Orphanet 191, Orphanet 90322, MedGen C0751038, MONDO:0019570, OMIM 133540.

Submission:

Myriad Genetics, Inc.
Classification: Likely pathogenic for Cockayne syndrome type 2. Last evaluated: 2022-03-14. Review status: criteria provided, single submitter. Criteria: Myriad Women's Health Autosomal Recessive and X-Linked Classification Criteria (2021). Collection method: clinical testing. Allele origin: unknown.
Comment: NM_000124.2(ERCC6):c.1154del1ins9(D385Vfs*23) is expected to be pathogenic in the context of ERCC6-related disorders. This variant is predicted to lead to an abnormal or absent protein product due to the creation of a premature termination codon in ERCC6, a gene where loss-of-function variants are known to be pathogenic. Please note: this variant was assessed in the context of healthy population screening.

NM_000124.4(ERCC6):c.1154delinsTACACTTTT (p.Asp385fs)

Genes: ERCC6 (ERCC excision repair 6, chromatin remodeling factor; minus strand), PGBD3 (piggyBac transposable element derived 3; minus strand). Cytogenetic location: 10q11.23.
Variant type: Indel.
Coding change: c.1154delinsTACACTTTT on transcript NM_000124.4 (MANE Select); coding-DNA position 1154, A replaced by TACACTTTT.
Protein change: p.Asp385fs; shifts the reading frame from aspartic acid 385.
Molecular consequence: frameshift variant. On other transcripts: 5 prime UTR variant (1).
Genome position (GRCh38, 1-based): chr10:49,524,276, T replaced by AAAAGTGTA on the plus strand (A replaced by TACACTTTT on the coding strand, the reverse complement: ERCC6 is on the minus strand). VCF-style: chr10-49524276-T-AAAAGTGTA. GRCh37 (hg19) VCF-style: chr10-50732322-T-AAAAGTGTA.
Other names: c.1154delinsTACACTTTT, p.Asp385fs (NM_001277058.2, NM_001277059.2, NM_001346440.2); c.-251delinsTACACTTTT (NM_170753.3); short protein forms D385fs.
Identifiers: ClinVar variation 1725200 (VCV001725200.2), dbSNP rs2496139138, ClinGen allele CA2580081561.